The following is an entry in ClinVar:

NM_000130.5(F5):c.4589A>C (p.Glu1530Ala)

Gene: F5 (coagulation factor V; minus strand). Cytogenetic location: 1q24.2.
Variant type: single nucleotide variant.
Coding change: c.4589A>C on transcript NM_000130.5 (MANE Select); coding-DNA position 4589, A replaced by C.
Protein change: p.Glu1530Ala; replaces glutamic acid 1530 with alanine.
Molecular consequence: missense variant.
Genome position (GRCh38, 1-based): chr1:169,540,501, T>G on the plus strand (A>C on the coding strand, the complement: F5 is on the minus strand). VCF-style: chr1-169540501-T-G. GRCh37 (hg19) VCF-style: chr1-169509739-T-G.
Other names: short protein forms E1530A.
Identifiers: ClinVar variation 787578 (VCV000787578.29), dbSNP rs6007, ClinGen allele CA1233685.

ClinVar aggregate classification (germline): Conflicting classifications of pathogenicity. Review status: criteria provided, conflicting classifications (1 of 4 stars). 8 submissions from 5 submitters: Uncertain significance (4); Benign (2); Likely benign (2). Last evaluated 2026-08-01.

Conditions:
F5-related disorder. Also called: F5-related condition.
Budd-Chiari syndrome (BDCHS). Also called: Hepatic vein obstruction. Identifiers: Orphanet 131, MedGen C0856761, MONDO:0010947, OMIM 600880, HP:0002639.
Ischemic stroke. Also called: Ischemic stroke, susceptibility to; CEREBROVASCULAR ACCIDENT. Identifiers: MedGen C0948008, MONDO:1060198, OMIM 601367, HP:0002140.
Thrombophilia due to activated protein C resistance (THPH2). Also called: PCCF DEFICIENCY; PROC COFACTOR DEFICIENCY; THROMBOPHILIA DUE TO DEFICIENCY OF ACTIVATED PROTEIN C COFACTOR; THROMBOPHILIA V; APC resistance; Activated protein C resistance. Identifiers: MedGen C1861171, MONDO:0008560, OMIM 188055. Disease mechanism: gain of function, loss of function.
Pregnancy loss, recurrent, susceptibility to, 1 (RPRGL1). Also called: EMBRYONIC LOSS, RECURRENT; MISCARRIAGE, RECURRENT; STILLBIRTH, RECURRENT; FETAL LOSS, RECURRENT, SUSCEPTIBILITY TO. Identifiers: MedGen C3280670, MONDO:0013727, OMIM 614389.
Congenital factor V deficiency. Also called: LABILE FACTOR DEFICIENCY; OWREN PARAHEMOPHILIA; PARAHEMOPHILIA; Hereditary factor V deficiency disease. Identifiers: Orphanet 326, MedGen C0015499, MONDO:0009210, OMIM 227400.
Thrombophilia due to thrombin defect (THPH1). Also called: Thrombosis susceptibility; THROMBOPHILIA DUE TO FACTOR 2 DEFECT; Prothrombin-Related Thrombophilia (Factor II); Prothrombin Thrombophilia. Identifiers: MedGen C3160733, MONDO:0008559, OMIM 188050. Disease mechanism: gain of function, loss of function.
Factor V deficiency. Also called: Reduced coagulation factor V activity. Identifiers: Orphanet 326, MedGen C4317320, MONDO:0020586, HP:0003225.

Allele frequency attached by ClinVar (database versions not stated): 1000 Genomes Project 0.00140; gnomAD 0.00140; 1000 Genomes Project 30x 0.00172; ExAC 0.00179; ESP Exome Variant Server 0.00200; TOPMed 0.00225.
gnomAD v4.1: 5,420 of 1,614,014 alleles (0.34%); highest among the groups gnomAD compares: Non-Finnish European, 0.42%; 9 homozygotes.

Submissions (8):

CeGaT Center for Human Genetics Tuebingen
Classification: Likely benign. Last evaluated: 2026-08-01. Review status: criteria provided, single submitter. Criteria: CeGaT Center For Human Genetics Tuebingen Variant Classification Criteria Version 2. Collection method: clinical testing. Allele origin: germline. Affected: yes. Observed: 2 variant alleles.
Comment: F5: BS1

Labcorp Genetics (formerly Invitae), Labcorp
Classification: Likely benign for Congenital factor V deficiency. Last evaluated: 2026-01-26. Review status: criteria provided, single submitter. Criteria: Invitae Variant Classification Sherloc (09022015). Collection method: clinical testing. Allele origin: germline.

Department of Pathology and Laboratory Medicine, Sinai Health System
Classification: Uncertain significance for Thrombophilia due to activated protein C resistance; Congenital factor V deficiency; Budd-Chiari syndrome; Ischemic stroke; Pregnancy loss, recurrent, susceptibility to, 1. Last evaluated: 2023-08-29. Review status: criteria provided, single submitter. Criteria: ACMG Guidelines, 2015. Collection method: research. Allele origin: germline.

PreventionGenetics, part of Exact Sciences
Classification: Uncertain significance for F5-related condition. Last evaluated: 2023-05-19. Review status: criteria provided, single submitter. Criteria: ACMG Guidelines, 2015. Collection method: clinical testing. Allele origin: germline.
Comment: The F5 c.4589A>C variant is predicted to result in the amino acid substitution p.Glu1530Ala. This variant (also known as E1502A) has been identified in screening cohort studies, but without any association to disease phenotypes (Vos 2005. PubMed ID: 16246256; Watanabe et al. 2002. PubMed ID: 11950065). This variant is reported in 0.33% of alleles in individuals of European (Non-Finnish) descent in gnomAD which suggests this variant is likely to be benign. However at this time we interpret its clinical significance as uncertain due to the absence of conclusive functional and genetic evidence.

Illumina Laboratory Services, Illumina
Classification: Benign for Thrombophilia due to activated protein C resistance. Last evaluated: 2017-04-27. Review status: criteria provided, single submitter. Criteria: ICSL Variant Classification Criteria 13 December 2019. Collection method: clinical testing. Allele origin: germline.
Comment: This variant was observed as part of a predisposition screen in an ostensibly healthy population. A literature search was performed for the gene, cDNA change, and amino acid change (where applicable). No publications were found based on this search. Allele frequency data from public databases was too high to be consistent with this variant causing disease. Therefore, this variant is classified as benign.

Illumina Laboratory Services, Illumina
Classification: Benign for Venous thrombosis. Last evaluated: 2017-04-27. Review status: criteria provided, single submitter. Criteria: ICSL Variant Classification Criteria 13 December 2019. Collection method: clinical testing. Allele origin: germline.
Comment: the same text as in the submission from Illumina Laboratory Services, Illumina above.

Illumina Laboratory Services, Illumina
Classification: Uncertain significance for Congenital factor V deficiency. Last evaluated: 2017-04-27. Review status: criteria provided, single submitter. Criteria: ICSL Variant Classification Criteria 13 December 2019. Collection method: clinical testing. Allele origin: germline.
Comment: This variant was observed as part of a predisposition screen in an ostensibly healthy population. A literature search was performed for the gene, cDNA change, and amino acid change (where applicable). Publications were found based on this search. However, the evidence from the literature, in combination with allele frequency data from public databases where available, was not sufficient to rule this variant in or out of causing disease. Therefore, this variant is classified as a variant of unknown significance.

Illumina Laboratory Services, Illumina
Classification: Uncertain significance for Budd-Chiari syndrome. Last evaluated: 2017-04-27. Review status: criteria provided, single submitter. Criteria: ICSL Variant Classification Criteria 13 December 2019. Collection method: clinical testing. Allele origin: germline.

Literature cited by the submitters: PubMed 16246256 (cited by Illumina Laboratory Services, Illumina); PubMed 11950065 (cited by Illumina Laboratory Services, Illumina).